The following is an entry in ClinVar:

NM_021913.5(AXL):c.36G>A (p.Pro12=)

Gene: AXL (AXL receptor tyrosine kinase; plus strand). Cytogenetic location: 19q13.2.
Variant type: single nucleotide variant.
Coding change: c.36G>A on transcript NM_021913.5 (MANE Select); coding-DNA position 36, G replaced by A.
Protein change: p.Pro12=; no amino-acid change (proline 12 retained).
Molecular consequence: synonymous variant.
Genome position (GRCh38, 1-based): chr19:41,219,428, G>A. VCF-style: chr19-41219428-G-A. GRCh37 (hg19) VCF-style: chr19-41725333-G-A.
Other names: c.36G>A, p.Pro12= (NM_001699.6).
Identifiers: ClinVar variation 3049243 (VCV003049243.2), dbSNP rs530407469, ClinGen allele CA9457823.

ClinVar aggregate classification (germline): Likely benign (0 of 4 stars; one submission).

Conditions:
AXL-related disorder. Also called: AXL-related condition.

Allele frequency attached by ClinVar (database versions not stated): gnomAD 0.00001; 1000 Genomes Project 30x 0.00031; 1000 Genomes Project 0.00040.
gnomAD v4.1: 46 of 1,606,066 alleles (0.0029%); highest among the groups gnomAD compares: Admixed American, 0.0051%; no homozygotes.

Submission:

PreventionGenetics, part of Exact Sciences
Classification: Likely benign for AXL-related condition. Last evaluated: 2019-12-09. Review status: no assertion criteria provided. Collection method: clinical testing. Allele origin: germline.
Comment: This variant is classified as likely benign based on ACMG/AMP sequence variant interpretation guidelines (Richards et al. 2015 PMID: 25741868, with internal and published modifications).